The following is an entry in ClinVar:

NM_006415.4(SPTLC1):c.428-2299T>G

Gene: SPTLC1 (serine palmitoyltransferase long chain base subunit 1; minus strand). Cytogenetic location: 9q22.31.
Variant type: single nucleotide variant.
Coding change: c.428-2299T>G on transcript NM_006415.4 (MANE Select); 2299 bases into the intron before coding-DNA position 428, T replaced by G.
Molecular consequence: intron variant.
Genome position (GRCh38, 1-based): chr9:92,070,397, A>C on the plus strand (T>G on the coding strand, the complement: SPTLC1 is on the minus strand). VCF-style: chr9-92070397-A-C. GRCh37 (hg19) VCF-style: chr9-94832679-A-C.
Other names: c.428-2299T>G (NM_001281303.2); c.62-2299T>G (NM_001368272.1); c.-38-2299T>G (NM_001368273.1).
Identifiers: ClinVar variation 3388908 (VCV003388908.14).

ClinVar aggregate classification (germline): Likely benign (1 of 4 stars; one submission).

Submission:

CeGaT Center for Human Genetics Tuebingen
Classification: Likely benign. Last evaluated: 2026-07-01. Review status: criteria provided, single submitter. Criteria: CeGaT Center For Human Genetics Tuebingen Variant Classification Criteria Version 2. Collection method: clinical testing. Allele origin: germline. Affected: yes. Observed: 8 variant alleles.
Comment: SPTLC1: BS1